The following is an entry in ClinVar:

NM_001257291.2(SLC9A7):c.144G>C (p.Ala48=)

Gene: SLC9A7 (solute carrier family 9 member A7; minus strand). Cytogenetic location: Xp11.3.
Variant type: single nucleotide variant.
Coding change: c.144G>C on transcript NM_001257291.2 (MANE Select); coding-DNA position 144, G replaced by C.
Protein change: p.Ala48=; no amino-acid change (alanine 48 retained).
Molecular consequence: synonymous variant.
Genome position (GRCh38, 1-based): chrX:46,758,886, C>G on the plus strand (G>C on the coding strand, the complement: SLC9A7 is on the minus strand). VCF-style: chrX-46758886-C-G. GRCh37 (hg19) VCF-style: chrX-46618321-C-G.
Other names: c.144G>C, p.Ala48= (NM_032591.3); c.144G>C (NM_001257291.1).
Identifiers: ClinVar variation 1333127 (VCV001333127.13), dbSNP rs1056846, ClinGen allele CA10394134.

ClinVar aggregate classification (germline): Benign. Review status: criteria provided, multiple submitters, no conflicts (2 of 4 stars). 4 submissions from 4 submitters: Benign (3). 1 of the submissions does not count toward it. Last evaluated 2026-02-02.

Conditions:
Intellectual developmental disorder, X-linked 108. Also called: MENTAL RETARDATION, X-LINKED 108. Identifiers: MedGen C5193009, MONDO:0026723, OMIM 301024.
SLC9A7-related disorder. Also called: SLC9A7-related condition.

Allele frequency attached by ClinVar (database versions not stated): TOPMed 0.64305; 1000 Genomes Project 30x 0.76670; ExAC 0.64379; 1000 Genomes Project 0.76689; gnomAD exomes 0.49438 and 0.56828; ESP Exome Variant Server 0.61395.

Submissions (4):

Labcorp Genetics (formerly Invitae), Labcorp
Classification: Benign. Last evaluated: 2026-02-02. Review status: criteria provided, single submitter. Criteria: Invitae Variant Classification Sherloc (09022015). Collection method: clinical testing. Allele origin: germline.

Genome-Nilou Lab
Classification: Benign for Intellectual developmental disorder, X-linked 108. Last evaluated: 2021-07-15. Review status: criteria provided, single submitter. Criteria: ACMG Guidelines, 2015. Collection method: clinical testing. Allele origin: germline. Affected: no.

Breakthrough Genomics
Classification: Benign. Review status: criteria provided, single submitter. Criteria: ACMG Guidelines, 2015. Collection method: not provided. Allele origin: germline. Inheritance: X-linked inheritance. Affected: yes.

PreventionGenetics, part of Exact Sciences
Classification: Benign for SLC9A7-related condition. Last evaluated: 2019-10-30. Review status: no assertion criteria provided. Collection method: clinical testing. Allele origin: germline. Not counted in ClinVar's aggregate classification.
Comment: This variant is classified as benign based on ACMG/AMP sequence variant interpretation guidelines (Richards et al. 2015 PMID: 25741868, with internal and published modifications).